The following is an entry in ClinVar:

NM_004655.4(AXIN2):c.1936T>C (p.Leu646=)

Gene: AXIN2 (axin 2; minus strand). Cytogenetic location: 17q24.1.
Variant type: single nucleotide variant.
Coding change: c.1936T>C on transcript NM_004655.4 (MANE Select); coding-DNA position 1936, T replaced by C.
Protein change: p.Leu646=; no amino-acid change (leucine 646 retained).
Molecular consequence: synonymous variant.
Genome position (GRCh38, 1-based): chr17:65,536,525, A>G on the plus strand (T>C on the coding strand, the complement: AXIN2 is on the minus strand). VCF-style: chr17-65536525-A-G. GRCh37 (hg19) VCF-style: chr17-63532643-A-G.
Other names: c.1741T>C, p.Leu581= (NM_001363813.1).
Identifiers: ClinVar variation 763555 (VCV000763555.14), dbSNP rs1598097114, ClinGen allele CA501691008.
Genomic context (GRCh38, chr17:65,536,525, plus strand): 5'-TGCCCCCCCACAGATGGTGCCGGCTGGCTCGTTCGCCTGGAGACGAGCGGGCAGACTCCA[A>G]GGGGTAGGCCTTTTTTGTGCTTTGGGCACTAAACAAGGAATGAGCAGAGAGAAAACAGAA-3'
Protein context (NP_004646.3, residues 636-656): SAQSTKKAYP[Leu646=]ESARSSPGER

ClinVar aggregate classification (germline): Benign/Likely benign. Review status: criteria provided, multiple submitters, no conflicts (2 of 4 stars). 3 submissions from 3 submitters: Benign (1); Likely benign (2). Last evaluated 2025-10-01.

Conditions:
Hereditary cancer-predisposing syndrome. Also called: Tumor predisposition; Neoplastic Syndromes, Hereditary; Hereditary Cancer Syndrome; Hereditary neoplastic syndrome. Identifiers: Orphanet 140162, MedGen C0027672, MeSH D009386, MONDO:0015356.
Oligodontia-cancer predisposition syndrome. Also called: TOOTH AGENESIS-COLORECTAL CANCER SYNDROME. Identifiers: Orphanet 300576, MedGen C1837750, MONDO:0012075, OMIM 608615. Disease mechanism: loss of function.

Submissions (3):

Labcorp Genetics (formerly Invitae), Labcorp
Classification: Likely benign for Oligodontia-cancer predisposition syndrome. Last evaluated: 2025-10-01. Review status: criteria provided, single submitter. Criteria: Invitae Variant Classification Sherloc (09022015). Collection method: clinical testing. Allele origin: germline.

Myriad Genetics, Inc.
Classification: Benign for Oligodontia-cancer predisposition syndrome. Last evaluated: 2024-07-09. Review status: criteria provided, single submitter. Criteria: Myriad Autosomal Dominant, Autosomal Recessive and X-Linked Classification Criteria (2023). Collection method: clinical testing. Allele origin: unknown.
Comment: This variant is considered benign. This variant is a silent/synonymous amino acid change and it is not expected to impact splicing.

Ambry Genetics
Classification: Likely benign for Hereditary cancer-predisposing syndrome. Last evaluated: 2021-01-05. Review status: criteria provided, single submitter. Criteria: Ambry Variant Classification Scheme 2023. Collection method: clinical testing. Allele origin: germline.